The following is an entry in ClinVar:

ClinVar aggregate classification (germline): Pathogenic. Review status: criteria provided, multiple submitters, no conflicts (2 of 4 stars). 6 submissions from 6 submitters: Pathogenic (4). 2 of the submissions do not count toward it. Last evaluated 2024-12-06.

Conditions:
Charcot-Marie-tooth disease, axonal, type 2DD. Also called: CHARCOT-MARIE-TOOTH NEUROPATHY, TYPE 2DD. Identifiers: Orphanet 521414, MedGen C4747974, MONDO:0054833, OMIM 618036.
Charcot-Marie-Tooth disease type 2A2. Also called: CHARCOT-MARIE-TOOTH DISEASE, AXONAL, TYPE 2A2; CHARCOT-MARIE-TOOTH DISEASE, NEURONAL, TYPE 2A2; HEREDITARY MOTOR AND SENSORY NEUROPATHY IIA2; HMSN IIA2; Charcot-Marie-Tooth Neuropathy Type 2A2; CHARCOT-MARIE-TOOTH DISEASE, AXONAL, AUTOSOMAL DOMINANT, TYPE 2A2A. Identifiers: Orphanet 99947, MedGen C4721887, MONDO:0012231, OMIM 609260.

Submissions (6):

Molecular Genetics, Royal Melbourne Hospital
Classification: Pathogenic for Charcot-Marie-tooth disease, axonal, type 2DD. Last evaluated: 2024-12-06. Review status: criteria provided, single submitter. Criteria: ACMG Guidelines, 2015. Collection method: clinical testing. Allele origin: germline. Inheritance: Autosomal dominant inheritance. Affected: yes.
Comment: This sequence change is predicted to replace proline with alanine at codon 600 of the ATP1A1 protein, p.(Pro600Ala). The proline residue is evolutionarily conserved (100 vertebrates, Multiz alignments), and is located in a mutational hot spot in the helical linker region that couples ATP hydrolysis and phosphorylation domains (PMID: 29499166). There is a small physicochemical difference between proline and alanine. This variant is absent from the population database gnomAD v4.1. It has been identified in at least two probands with sensorimotor axonal neuropathy and segregates with disease over three generations in a large family (PMID: 29499166, Royal Melbourne Hospital). Induced pluripotent stem cell-derived motor neurons from an affected individual demonstrated defective differentiation and absence of ATP1A1 expression (PMID: 31707753). Additionally, in vitro functional assays demonstrated significantly fewer Na+-dependent currents for the variant (PMID: 29499166). Computational evidence predicts a deleterious effect for the missense substitution (REVEL = 0.652) and predicts no impact on splicing (SpliceAI) for the nucleotide change. Furthermore, a different missense change at this position (p.Pro600Thr) has been identified in a family with Charcot-Marie-Tooth disease (PMID: 29499166). Based on the classification scheme RMH Modified ACMG Guidelines v1.7.0, this variant is classified as PATHOGENIC. Following criteria are met: PP1_Strong, PM1, PS3_Supporting, PS4_Supporting, PM2_Supporting, PP4.

Labcorp Genetics (formerly Invitae), Labcorp
Classification: Pathogenic. Last evaluated: 2024-07-11. Review status: criteria provided, single submitter. Criteria: Invitae Variant Classification Sherloc (09022015). Collection method: clinical testing. Allele origin: germline.
Comment: This sequence change replaces proline, which is neutral and non-polar, with alanine, which is neutral and non-polar, at codon 600 of the ATP1A1 protein (p.Pro600Ala). This variant is not present in population databases (gnomAD no frequency). This missense change has been observed in individual(s) with Charcot-Marie-Tooth disease (PMID: 29499166). It has also been observed to segregate with disease in related individuals. ClinVar contains an entry for this variant (Variation ID: 545678). Advanced modeling of protein sequence and biophysical properties (such as structural, functional, and spatial information, amino acid conservation, physicochemical variation, residue mobility, and thermodynamic stability) performed at Invitae indicates that this missense variant is not expected to disrupt ATP1A1 protein function with a negative predictive value of 80%. Experimental studies have shown that this missense change affects ATP1A1 function (PMID: 29499166). This variant disrupts the p.Pro600 amino acid residue in ATP1A1. Other variant(s) that disrupt this residue have been determined to be pathogenic (PMID: 29499166). This suggests that this residue is clinically significant, and that variants that disrupt this residue are likely to be disease-causing. For these reasons, this variant has been classified as Pathogenic.

Victorian Clinical Genetics Services, Murdoch Childrens Research Institute
Classification: Pathogenic for Charcot-Marie-tooth disease, axonal, type 2DD. Last evaluated: 2022-02-02. Review status: criteria provided, single submitter. Criteria: ACMG Guidelines, 2015. Collection method: clinical testing. Allele origin: germline. Inheritance: Autosomal dominant inheritance.
Comment: Based on the classification scheme VCGS_Germline_v1.3.4, this variant is classified as Pathogenic. Following criteria are met: 0102 - Loss of function is a known mechanism of disease in this gene and is associated with Charcot-Marie-Tooth disease, axonal, type 2DD (MIM#618036) and hypomagnesemia, seizures, and mental retardation 2 (MIM#618314). Loss of function has been clearly established for missense variants however, there is currently no information in the literature on the mechanism of disease associated with ATP1A1 protein truncating variants (PMIDs: 29499166, 30388404; OMIM). (I) 0107 - This gene is associated with autosomal dominant disease. (I) 0200 - Variant is predicted to result in a missense amino acid change from proline to alanine. (I) 0251 - This variant is heterozygous. (I) 0301 - Variant is absent from gnomAD (both v2 and v3). (SP) 0502 - Missense variant with conflicting in silico predictions and uninformative conservation. (I) 0600 - Variant is located in the annotated helical linker region (PMID: 29499166). (I) 0704 - Another missense variant comparable to the one identified in this case has limited previous evidence for pathogenicity. The p.(Pro600Thr) variant has been reported in one American family with Charcot-Marie-Tooth type 2 disease where the variant was found to segregate in four affected individuals (PMID: 29499166). (SP) 0803 - This variant has limited previous evidence of pathogenicity. This variant has been reported in one Italian family with Charcot-Marie-Tooth type 2 disease (PMID: 29499166). (SP) 0901 - This variant has strong evidence for segregation with disease. This variant has been shown to segregate in at least five affected individuals within the same family (PMID: 29499166). (SP) 1001 - This variant has strong functional evidence supporting abnormal protein function. Pluripotent stem cells (iPSCs) generated from patient fibroblasts demonstrated defective differentiation of neuronal precursors into mature motor neurons in vitro compared to control iPSCs (PMID: 31707753). Additionally, mutant ATP1A1 expressed in Xenopus oocytes demonstrated significantly reduced Na+-dependent currents and using ouabain survival assays in U2OS cells, Lassuthova et al. (2018) also showed that mutant constructs had significantly reduced cell viability significantly reduced cell viability (PMID: 29499166) . (SP) 1208 - Inheritance information for this variant is not currently available in this individual. (I) Legend: (SP) - Supporting pathogenic, (I) - Information, (SB) - Supporting benign

Clinical Genetics Service, Universitary Hospital 12 de Octubre
Classification: Pathogenic for Charcot-Marie-tooth disease, axonal, type 2DD. Review status: criteria provided, single submitter. Criteria: ACMG Guidelines, 2015. Collection method: clinical testing. Allele origin: germline. Affected: yes.

OMIM
Classification: Pathogenic for CHARCOT-MARIE-TOOTH DISEASE, AXONAL, TYPE 2DD. Last evaluated: 2018-06-28. Review status: no assertion criteria provided. Collection method: literature only. Allele origin: germline. Not counted in ClinVar's aggregate classification.

Inherited Neuropathy Consortium Ii, University Of Miami
Classification: Uncertain significance for Charcot-Marie-Tooth disease type 2A2. Last evaluated: 2017-10-07. Review status: no assertion criteria provided. Collection method: literature only. Allele origin: germline. Affected: yes. Not counted in ClinVar's aggregate classification.

Literature cited by the submitters: PubMed 29499166 (cited by 4 submitters); PubMed 31707753 (cited by Molecular Genetics, Royal Melbourne Hospital and Victorian Clinical Genetics Services, Murdoch Childrens Research Institute); PubMed 31705535 (cited by Victorian Clinical Genetics Services, Murdoch Childrens Research Institute); PubMed 30388404 (cited by Victorian Clinical Genetics Services, Murdoch Childrens Research Institute); PubMed 8981948 (cited by Inherited Neuropathy Consortium Ii, University Of Miami).

NM_000701.8(ATP1A1):c.1798C>G (p.Pro600Ala)

Genes: ATP1A1 (ATPase Na+/K+ transporting subunit alpha 1; plus strand), ATP1A1-AS1 (ATP1A1 antisense RNA 1; minus strand). Cytogenetic location: 1p13.1.
Variant type: single nucleotide variant.
Coding change: c.1798C>G on transcript NM_000701.8 (MANE Select); coding-DNA position 1798, C replaced by G.
Protein change: p.Pro600Ala; replaces proline 600 with alanine.
Molecular consequence: missense variant.
Genome position (GRCh38, 1-based): chr1:116,395,247, C>G. VCF-style: chr1-116395247-C-G. GRCh37 (hg19) VCF-style: chr1-116937869-C-G.
Other names: c.1798C>G, p.Pro600Ala (NM_001160233.2); c.1705C>G, p.Pro569Ala (NM_001160234.2); c.1798C>G (NM_001160233.1); short protein forms P600A, P569A.
Identifiers: ClinVar variation 545678 (VCV000545678.11), dbSNP rs1553192091, ClinGen allele CA341771634.